The following is an entry in ClinVar:

NM_000245.4(MET):c.2228T>C (p.Ile743Thr)

Gene: MET (MET proto-oncogene, receptor tyrosine kinase; plus strand). Cytogenetic location: 7q31.2.
Variant type: single nucleotide variant.
Coding change: c.2228T>C on transcript NM_000245.4 (MANE Select); coding-DNA position 2228, T replaced by C.
Protein change: p.Ile743Thr; replaces isoleucine 743 with threonine.
Molecular consequence: missense variant.
Genome position (GRCh38, 1-based): chr7:116,758,584, T>C. VCF-style: chr7-116758584-T-C. GRCh37 (hg19) VCF-style: chr7-116398638-T-C.
Other names: c.2228T>C, p.Ile743Thr (NM_001127500.3, NM_001324401.3); c.938T>C, p.Ile313Thr (NM_001324402.2); short protein forms I313T, I743T.
Identifiers: ClinVar variation 5024391 (VCV005024391.1).

ClinVar aggregate classification (germline): Uncertain significance (1 of 4 stars; one submission).

Conditions:
Hereditary cancer-predisposing syndrome. Also called: Neoplastic Syndromes, Hereditary; Tumor predisposition; Hereditary neoplastic syndrome; Hereditary Cancer Syndrome. Identifiers: Orphanet 140162, MedGen C0027672, MeSH D009386, MONDO:0015356.

Submission:

Ambry Genetics
Classification: Uncertain significance for Hereditary cancer-predisposing syndrome. Last evaluated: 2026-07-07. Review status: criteria provided, single submitter. Criteria: Ambry Variant Classification Scheme 2023. Collection method: clinical testing. Allele origin: germline.
Comment: The p.I743T variant (also known as c.2228T>C), located in coding exon 8 of the MET gene, results from a T to C substitution at nucleotide position 2228. The isoleucine at codon 743 is replaced by threonine, an amino acid with similar properties. This amino acid position is conserved. In addition, this alteration is predicted to be tolerated by in silico analysis. Based on the available evidence, the clinical significance of this variant remains unclear.